The following is an entry in ClinVar:

ClinVar aggregate classification (germline): Uncertain significance. Review status: criteria provided, multiple submitters, no conflicts (2 of 4 stars). 2 submissions from 2 submitters: Uncertain significance (2). Last evaluated 2024-12-27.

Conditions:
Melanoma, cutaneous malignant, susceptibility to, 5. Also called: Cutaneous malignant melanoma 5. Identifiers: Orphanet 618, MedGen C2751295, MONDO:0013133, OMIM 613099.

Submissions (2):

Ambry Genetics
Classification: Uncertain significance. Last evaluated: 2024-12-27. Review status: criteria provided, single submitter. Criteria: Ambry Variant Classification Scheme 2023. Collection method: clinical testing. Allele origin: germline.
Comment: The p.P295S variant (also known as c.883C>T), located in coding exon 1 of the MC1R gene, results from a C to T substitution at nucleotide position 883. The proline at codon 295 is replaced by serine, an amino acid with similar properties. This amino acid position is conserved. In addition, this alteration is predicted to be deleterious by in silico analysis. Based on the available evidence, the clinical significance of this variant remains unclear.

Labcorp Genetics (formerly Invitae), Labcorp
Classification: Uncertain significance for Melanoma, cutaneous malignant, susceptibility to, 5. Last evaluated: 2022-05-07. Review status: criteria provided, single submitter. Criteria: Invitae Variant Classification Sherloc (09022015). Collection method: clinical testing. Allele origin: germline.
Comment: In summary, the available evidence is currently insufficient to determine the role of this variant in disease. Therefore, it has been classified as a Variant of Uncertain Significance. Algorithms developed to predict the effect of missense changes on protein structure and function (SIFT, PolyPhen-2, Align-GVGD) all suggest that this variant is likely to be disruptive. This variant has not been reported in the literature in individuals affected with MC1R-related conditions. This variant is not present in population databases (gnomAD no frequency). This sequence change replaces proline, which is neutral and non-polar, with serine, which is neutral and polar, at codon 295 of the MC1R protein (p.Pro295Ser).

NM_002386.4(MC1R):c.883C>T (p.Pro295Ser)

Gene: MC1R (melanocortin 1 receptor; plus strand). Cytogenetic location: 16q24.3.
Variant type: single nucleotide variant.
Coding change: c.883C>T on transcript NM_002386.4 (MANE Select); coding-DNA position 883, C replaced by T.
Protein change: p.Pro295Ser; replaces proline 295 with serine.
Molecular consequence: missense variant.
Genome position (GRCh38, 1-based): chr16:89,920,141, C>T. VCF-style: chr16-89920141-C-T. GRCh37 (hg19) VCF-style: chr16-89986549-C-T.
Other names: c.883C>T (NM_002386.3); short protein forms P295S.
Identifiers: ClinVar variation 2142943 (VCV002142943.5), dbSNP rs1037285800, ClinGen allele CA286607714.